The following is an entry in ClinVar:

NM_005100.4(AKAP12):c.4978G>A (p.Val1660Ile)

Gene: AKAP12 (A-kinase anchoring protein 12; plus strand). Cytogenetic location: 6q25.1.
Variant type: single nucleotide variant.
Coding change: c.4978G>A on transcript NM_005100.4 (MANE Select); coding-DNA position 4978, G replaced by A.
Protein change: p.Val1660Ile; replaces valine 1660 with isoleucine.
Molecular consequence: missense variant.
Genome position (GRCh38, 1-based): chr6:151,353,369, G>A. VCF-style: chr6-151353369-G-A. GRCh37 (hg19) VCF-style: chr6-151674504-G-A.
Other names: c.4663G>A, p.Val1555Ile (NM_001370346.1); c.4684G>A, p.Val1562Ile (NM_144497.2); short protein forms V1555I, V1562I, V1660I.
Identifiers: ClinVar variation 4821505 (VCV004821505.4).

ClinVar aggregate classification (germline): Uncertain significance (1 of 4 stars; one submission).

gnomAD v4.1: 67 of 1,614,046 alleles (0.0042%); highest among the groups gnomAD compares: Middle Eastern, 0.67%; 1 homozygote.

Submission:

CeGaT Center for Human Genetics Tuebingen
Classification: Uncertain significance. Last evaluated: 2026-01-01. Review status: criteria provided, single submitter. Criteria: CeGaT Center For Human Genetics Tuebingen Variant Classification Criteria Version 2. Collection method: clinical testing. Allele origin: germline. Affected: yes. Observed: 1 variant allele.
Comment: AKAP12: PM2:Supporting, BP4